The following is an entry in ClinVar:

ClinVar aggregate classification (germline): Conflicting classifications of pathogenicity. Review status: criteria provided, conflicting classifications (1 of 4 stars). 5 submissions from 5 submitters: Pathogenic (1); Likely pathogenic (2); Uncertain significance (1). 1 of the submissions does not count toward it. Last evaluated 2024-12-30.

Conditions:
Alzheimer disease 3 (AD3). Also called: ALZHEIMER DISEASE, FAMILIAL, 3. Identifiers: Orphanet 1020, MedGen C1843013, MONDO:0011913, OMIM 607822.
Pick disease. Also called: PICK DISEASE OF BRAIN; DEMENTIA WITH LOBAR ATROPHY AND NEURONAL CYTOPLASMIC INCLUSIONS; LOBAR ATROPHY OF BRAIN; Pick's disease; Pick Disease of the Brain. Identifiers: Orphanet 282, MedGen C0236642, MONDO:0008243, OMIM 172700.
Frontotemporal dementia (FTD1). Also called: FRONTOTEMPORAL DEMENTIA WITH PARKINSONISM; FRONTOTEMPORAL LOBE DEMENTIA; MULTIPLE SYSTEM TAUOPATHY WITH PRESENILE DEMENTIA; Frontotemporal Dementia with Parkinsonism-17 (FTDP-17); WILHELMSEN-LYNCH DISEASE; Dementia, frontotemporal, with or without parkinsonism. Identifiers: Orphanet 282, MedGen C0338451, MONDO:0017276, OMIM 600274, HP:0002145.
Acne inversa, familial, 3 (ACNINV3). Identifiers: MedGen C3151038, MONDO:0013398, OMIM 613737.
PSEN1-related disorder. Also called: PSEN1-related condition.

Submissions (5):

Labcorp Genetics (formerly Invitae), Labcorp
Classification: Pathogenic for Alzheimer disease 3; Pick disease; Acne inversa, familial, 3; Frontotemporal dementia. Last evaluated: 2024-12-30. Review status: criteria provided, single submitter. Criteria: Invitae Variant Classification Sherloc (09022015). Collection method: clinical testing. Allele origin: germline.
Comment: This sequence change replaces alanine, which is neutral and non-polar, with valine, which is neutral and non-polar, at codon 431 of the PSEN1 protein (p.Ala431Val). This variant is not present in population databases (gnomAD no frequency). This missense change has been observed in individuals with Alzheimer's disease (PMID: 12399144, 27799753; internal data). ClinVar contains an entry for this variant (Variation ID: 98113). Invitae Evidence Modeling of protein sequence and biophysical properties (such as structural, functional, and spatial information, amino acid conservation, physicochemical variation, residue mobility, and thermodynamic stability) indicates that this missense variant is expected to disrupt PSEN1 protein function with a positive predictive value of 95%. This variant disrupts the p.Ala431 amino acid residue in PSEN1. Other variant(s) that disrupt this residue have been determined to be pathogenic (PMID: 16628450, 16897084). This suggests that this residue is clinically significant, and that variants that disrupt this residue are likely to be disease-causing. For these reasons, this variant has been classified as Pathogenic.

Blueprint Genetics
Classification: Likely pathogenic for PSEN1-related disorders. Last evaluated: 2022-12-16. Review status: criteria provided, single submitter. Criteria: ACMG Guidelines, 2015. Collection method: clinical testing. Allele origin: germline. Affected: yes. Observed: 1 variant allele.

MGZ Medical Genetics Center
Classification: Likely pathogenic for Frontotemporal dementia. Last evaluated: 2021-08-11. Review status: criteria provided, single submitter. Criteria: ACMG Guidelines, 2015. Collection method: clinical testing. Allele origin: germline. Affected: yes. Observed: 1 variant allele.
Comment: ACMG criteria applied: PS4, PM1, PM2_SUP, PP2, PP3

Athena Diagnostics
Classification: Uncertain significance. Last evaluated: 2017-12-29. Review status: criteria provided, single submitter. Criteria: Athena Diagnostics Criteria. Collection method: clinical testing. Allele origin: germline.

VIB  Department of Molecular Genetics, University of Antwerp
No classification provided. Review status: no classification provided. Collection method: not provided. Allele origin: unknown. Not counted in ClinVar's aggregate classification.

Literature cited by the submitters: PubMed 12399144 (cited by Labcorp Genetics (formerly Invitae), Labcorp and Athena Diagnostics); PubMed 27799753 (cited by Labcorp Genetics (formerly Invitae), Labcorp); PubMed 16628450 (cited by Labcorp Genetics (formerly Invitae), Labcorp); PubMed 16897084 (cited by Labcorp Genetics (formerly Invitae), Labcorp); PubMed 26756738 (cited by Athena Diagnostics).

NM_000021.4(PSEN1):c.1292C>T (p.Ala431Val)

Gene: PSEN1 (presenilin 1; plus strand). Cytogenetic location: 14q24.2.
Variant type: single nucleotide variant.
Coding change: c.1292C>T on transcript NM_000021.4 (MANE Select); coding-DNA position 1292, C replaced by T.
Protein change: p.Ala431Val; replaces alanine 431 with valine.
Molecular consequence: missense variant.
Genome position (GRCh38, 1-based): chr14:73,219,177, C>T. VCF-style: chr14-73219177-C-T. GRCh37 (hg19) VCF-style: chr14-73685885-C-T.
Other names: c.1280C>T, p.Ala427Val (NM_007318.3); short protein forms A431V, A427V.
Identifiers: ClinVar variation 98113 (VCV000098113.7), dbSNP rs63750083, ClinGen allele CA225182.